The following is an entry in ClinVar:

ClinVar aggregate classification (germline): Uncertain significance. Review status: criteria provided, multiple submitters, no conflicts (2 of 4 stars). 2 submissions from 2 submitters: Uncertain significance (2). Last evaluated 2025-07-02.

Conditions:
LMBR1-related disorder. Also called: LMBR1-related condition.
Inborn genetic diseases. Identifiers: MedGen C0950123, MeSH D030342.

Allele frequency attached by ClinVar (database versions not stated): TOPMed below 0.00001; ExAC 0.00001; gnomAD 0.00001.
gnomAD v4.1: 30 of 1,609,294 alleles (0.0019%); highest among the groups gnomAD compares: Non-Finnish European, 0.0025%; no homozygotes.

Submissions (2):

Ambry Genetics
Classification: Uncertain significance for Inborn genetic diseases. Last evaluated: 2025-07-02. Review status: criteria provided, single submitter. Criteria: Ambry Variant Classification Scheme 2023. Collection method: clinical testing. Allele origin: germline.

PreventionGenetics, part of Exact Sciences
Classification: Uncertain significance for LMBR1-related condition. Last evaluated: 2023-04-11. Review status: criteria provided, single submitter. Criteria: ACMG Guidelines, 2015. Collection method: clinical testing. Allele origin: germline.
Comment: The LMBR1 c.631G>A variant is predicted to result in the amino acid substitution p.Val211Ile. To our knowledge, this variant has not been reported in the literature. This variant is reported in 0.0031% of alleles in individuals of European (Non-Finnish) descent in gnomAD. At this time, the clinical significance of this variant is uncertain due to the absence of conclusive functional and genetic evidence.

NM_022458.4(LMBR1):c.631G>A (p.Val211Ile)

Gene: LMBR1 (limb development membrane protein 1; minus strand). Cytogenetic location: 7q36.3.
Variant type: single nucleotide variant.
Coding change: c.631G>A on transcript NM_022458.4 (MANE Select); coding-DNA position 631, G replaced by A.
Protein change: p.Val211Ile; replaces valine 211 with isoleucine.
Molecular consequence: missense variant. On other transcripts: non-coding transcript variant (2).
Genome position (GRCh38, 1-based): chr7:156,762,187, C>T on the plus strand (G>A on the coding strand, the complement: LMBR1 is on the minus strand). VCF-style: chr7-156762187-C-T. GRCh37 (hg19) VCF-style: chr7-156554881-C-T.
Other names: c.631G>A, p.Val211Ile (NM_001350953.2, NM_001363409.2, NM_001363410.2); c.352G>A, p.Val118Ile (NM_001350954.2); c.175G>A, p.Val59Ile (NM_001350955.2, NM_001350956.2, NM_001350958.2 and 1 more transcripts); c.262G>A, p.Val88Ile (NM_001350957.2, NM_001363411.2); c.568G>A, p.Val190Ile (NM_001363412.2); short protein forms V118I, V190I, V211I, V59I, V88I.
Identifiers: ClinVar variation 2633186 (VCV002633186.2), dbSNP rs761544977, ClinGen allele CA4588048.
Genomic context (GRCh38, chr7:156,762,187, plus strand): 5'-TACTTACTGTTGGCTTCACTAGCAACTGACCCATCACTGTGAACATACGAGAAAGGCCAA[C>T]TGGTGTACACACTGCAGAAATAAGATCACCAAAAGACAGAAAGCGACATTATAGAGCTTG-3'
Protein context (NP_071903.2, residues 201-221): GCLLLLLCTP[Val211Ile]GLSRMFTVMG